The following is an entry in ClinVar:

ClinVar aggregate classification (germline): Uncertain significance. Review status: criteria provided, multiple submitters, no conflicts (2 of 4 stars). 2 submissions from 2 submitters: Uncertain significance (2). Last evaluated 2025-05-02.

Conditions:
FLNB-related disorder. Also called: FLNB-related condition; FLNB-related disorders. Identifiers: MedGen CN381095.

Allele frequency attached by ClinVar (database versions not stated): gnomAD exomes below 0.00001; gnomAD 0.00001; TOPMed 0.00002.
gnomAD v4.1: 5 of 1,613,926 alleles (0.00031%); highest among the groups gnomAD compares: Non-Finnish European, 0.00042%; no homozygotes.

Submissions (2):

Labcorp Genetics (formerly Invitae), Labcorp
Classification: Uncertain significance. Last evaluated: 2025-05-02. Review status: criteria provided, single submitter. Criteria: Invitae Variant Classification Sherloc (09022015). Collection method: clinical testing. Allele origin: germline.
Comment: This sequence change replaces proline, which is neutral and non-polar, with leucine, which is neutral and non-polar, at codon 1389 of the FLNB protein (p.Pro1389Leu). This variant is present in population databases (no rsID available, gnomAD 0.002%). This variant has not been reported in the literature in individuals affected with FLNB-related conditions. ClinVar contains an entry for this variant (Variation ID: 1953467). Invitae Evidence Modeling of protein sequence and biophysical properties (such as structural, functional, and spatial information, amino acid conservation, physicochemical variation, residue mobility, and thermodynamic stability) has been performed for this missense variant. However, the output from this modeling did not meet the statistical confidence thresholds required to predict the impact of this variant on FLNB protein function. In summary, the available evidence is currently insufficient to determine the role of this variant in disease. Therefore, it has been classified as a Variant of Uncertain Significance.

PreventionGenetics, part of Exact Sciences
Classification: Uncertain significance for FLNB-related condition. Last evaluated: 2022-09-20. Review status: criteria provided, single submitter. Criteria: ACMG Guidelines, 2015. Collection method: clinical testing. Allele origin: germline.
Comment: The FLNB c.4166C>T variant is predicted to result in the amino acid substitution p.Pro1389Leu. To our knowledge, this variant has not been reported in the literature. This variant is reported in 0.0015% of alleles in individuals of European (Non-Finnish) descent in gnomAD. At this time, the clinical significance of this variant is uncertain due to the absence of conclusive functional and genetic evidence.

NM_001457.4(FLNB):c.4166C>T (p.Pro1389Leu)

Gene: FLNB (filamin B; plus strand). Cytogenetic location: 3p14.3.
Variant type: single nucleotide variant.
Coding change: c.4166C>T on transcript NM_001457.4 (MANE Select); coding-DNA position 4166, C replaced by T.
Protein change: p.Pro1389Leu; replaces proline 1389 with leucine.
Molecular consequence: missense variant.
Genome position (GRCh38, 1-based): chr3:58,126,706, C>T. VCF-style: chr3-58126706-C-T. GRCh37 (hg19) VCF-style: chr3-58112433-C-T.
Other names: c.4166C>T (NM_001457.3); c.4166C>T, p.Pro1389Leu (NM_001164317.2, NM_001164318.2, NM_001164319.2); short protein forms P1389L.
Identifiers: ClinVar variation 1953467 (VCV001953467.6), dbSNP rs946886580, ClinGen allele CA75450590.